The following is an entry in ClinVar:

NM_000404.4(GLB1):c.1343A>T (p.Asp448Val)

Gene: GLB1 (galactosidase beta 1; minus strand). Cytogenetic location: 3p22.3.
Variant type: single nucleotide variant.
Coding change: c.1343A>T on transcript NM_000404.4 (MANE Select); coding-DNA position 1343, A replaced by T.
Protein change: p.Asp448Val; replaces aspartic acid 448 with valine.
Molecular consequence: missense variant.
Genome position (GRCh38, 1-based): chr3:33,018,452, T>A on the plus strand (A>T on the coding strand, the complement: GLB1 is on the minus strand). VCF-style: chr3-33018452-T-A. GRCh37 (hg19) VCF-style: chr3-33059944-T-A.
Other names: c.1343A>T (NM_000404.3); c.1253A>T, p.Asp418Val (NM_001079811.3); c.950A>T, p.Asp317Val (NM_001135602.3); c.1487A>T, p.Asp496Val (NM_001317040.2); c.1343A>T, p.Asp448Val (NM_001393580.1); c.1487A>T (NM_001317040.1); short protein forms D448V, D418V, D496V, D317V.
Identifiers: ClinVar variation 344790 (VCV000344790.22), dbSNP rs757926581, ClinGen allele CA2299424.
Genomic context (GRCh38, chr3:33,018,452, plus strand): 5'-GCTGCTCATCCCCACCCTCACTGGGACAAAACGCACAGTTCAGAGACGATTCTTACCCCA[T>A]CCACAGCAACATATGCTCGATCGTGGACTCCATTGAGGGGTGAAGAGAGAGGTGCTGGGT-3'
Protein context (NP_000395.3, residues 438-458): GVHDRAYVAV[Asp448Val]GIPQGVLERN

ClinVar aggregate classification (germline): Pathogenic/Likely pathogenic. Review status: criteria provided, multiple submitters, no conflicts (2 of 4 stars). 7 submissions from 7 submitters: Pathogenic (4); Likely pathogenic (1). 2 of the submissions do not count toward it. Last evaluated 2025-01-23.

Conditions:
GM1 gangliosidosis type 2. Also called: GM1-GANGLIOSIDOSIS, TYPE II; Gangliosidosis, Generalized GM1, Type 2; GANGLIOSIDOSIS, GENERALIZED GM1, JUVENILE TYPE; GANGLIOSIDOSIS, GENERALIZED GM1, TYPE II; Juvenile GM>1< gangliosidosis. Identifiers: Orphanet 354, Orphanet 79256, MedGen C0268272, MONDO:0009261, OMIM 230600.
Mucopolysaccharidosis, MPS-IV-B (MPS4B). Also called: MORQUIO SYNDROME B; Mucopolysaccharidosis type IVB (Morquio); MPS IVB; Mucopolysaccharidosis type IV B; Mucopolysaccharidosis Type IVB (Morquio B Disease); Mucopolysaccharidosis type 4B. Identifiers: Orphanet 309310, Orphanet 582, MedGen C0086652, MONDO:0009660, OMIM 253010.
GM1 gangliosidosis type 3. Also called: GM1-GANGLIOSIDOSIS, TYPE III; Gangliosidosis, Generalized GM1, Type 3; GANGLIOSIDOSIS, GENERALIZED GM1, ADULT TYPE; GANGLIOSIDOSIS, GENERALIZED GM1, CHRONIC TYPE; GANGLIOSIDOSIS, GENERALIZED GM1, TYPE III; Beta-galactosidase deficiency. Identifiers: Orphanet 79257, MedGen C0268273, MONDO:0009262, OMIM 230650.
Infantile GM1 gangliosidosis. Also called: Gangliosidosis, Generalized GM1, Type 1; GM1-gangliosidosis, type I; Gangliosidosis, generalized GM1, infantile form; GLB1 deficiency; GM1 gangliosidosis type 1. Identifiers: Orphanet 354, Orphanet 79255, MedGen C0268271, MONDO:0009260, OMIM 230500.
GM1 gangliosidosis. Identifiers: Orphanet 354, MedGen C0085131, MONDO:0018149.

Allele frequency attached by ClinVar (database versions not stated): gnomAD 0.00001; gnomAD exomes 0.00001 and 0.00002; ExAC 0.00002.
gnomAD v4.1: 12 of 1,612,986 alleles (0.00074%); highest among the groups gnomAD compares: East Asian, 0.016%; no homozygotes.

Submissions (7):

Natera, Inc.
Classification: Pathogenic for Mucopolysaccharidosis, MPS-IV-B. Last evaluated: 2025-01-23. Review status: criteria provided, single submitter. Criteria: Natera Variant Classification Schema (03/2026). Collection method: clinical testing. Allele origin: germline.
Comment: The c.1343A>T variant in GLB1 is a missense variant predicted to cause substitution of aspartic acid to valine at amino acid 448. This variant is rare in the general population with a frequency below the threshold expected for the associated phenotype(s). This variant has been observed in one or more individuals affected with the associated recessive disease, as either homozygous or compound heterozygous with a second variant (PMID: 20175788, 29439846, 21520340, 33176815, 35598274). Functional studies show that this variant may disrupt protein function (PMID: 20175788, 21520340, 23337983). Computational prediction algorithms indicate this variant is likely to affect gene or protein function. Given the available evidence, this variant is classified as Pathogenic.

Labcorp Genetics (formerly Invitae), Labcorp
Classification: Pathogenic for Mucopolysaccharidosis, MPS-IV-B; GM1 gangliosidosis. Last evaluated: 2024-08-28. Review status: criteria provided, single submitter. Criteria: Invitae Variant Classification Sherloc (09022015). Collection method: clinical testing. Allele origin: germline.
Comment: This sequence change replaces aspartic acid, which is acidic and polar, with valine, which is neutral and non-polar, at codon 448 of the GLB1 protein (p.Asp448Val). This variant is present in population databases (rs757926581, gnomAD 0.02%). This missense change has been observed in individual(s) with GM1 gangliosidosis (PMID: 20175788, 29439846). ClinVar contains an entry for this variant (Variation ID: 344790). Invitae Evidence Modeling of protein sequence and biophysical properties (such as structural, functional, and spatial information, amino acid conservation, physicochemical variation, residue mobility, and thermodynamic stability) indicates that this missense variant is expected to disrupt GLB1 protein function with a positive predictive value of 95%. Experimental studies have shown that this missense change affects GLB1 function (PMID: 20175788). For these reasons, this variant has been classified as Pathogenic.

Fulgent Genetics
Classification: Pathogenic for Infantile GM1 gangliosidosis; GM1 gangliosidosis type 2; GM1 gangliosidosis type 3; Mucopolysaccharidosis, MPS-IV-B. Last evaluated: 2024-06-25. Review status: criteria provided, single submitter. Criteria: ACMG Guidelines, 2015. Collection method: clinical testing. Allele origin: germline.

Illumina Laboratory Services, Illumina
Classification: Likely pathogenic for GM1 gangliosidosis. Last evaluated: 2017-04-27. Review status: criteria provided, single submitter. Criteria: ICSL Variant Classification Criteria 09 May 2019. Collection method: clinical testing. Allele origin: germline.
Comment: The GLB1 c.1343A>T (p.Asp448Val) missense variant has been reported in three studies in which it was found in a total of three individuals with GM1 gangliosidosis, including one in a homozygous state and two in a compound heterozygous state (Hofer et al. 2010; Higaki et al. 2011; Lei et al. 2012). The p.Asp448Val variant was absent from 50 controls and is reported at a frequency of 0.00023 in the East Asian population of the Exome Aggregation Consortium but this is based on two alleles in a region of good sequence coverage so the variant is presumed to be rare. Functional studies demonstrated that expression of the p.Asp448Val variant in COS-1 cells resulted in no detectable beta-galactosidase activity compared to wild type GLB1 (Hofer et al. 2010). Based on the evidence, the p.Asp448Val variant is classified as likely pathogenic for GM1 gangliosidosis. This variant was observed by ICSL as part of a predisposition screen in an ostensibly healthy population.

Juno Genomics, Hangzhou Juno Genomics, Inc
Classification: Pathogenic for Infantile GM1 gangliosidosis; GM1 gangliosidosis type 2; GM1 gangliosidosis type 3; Mucopolysaccharidosis, MPS-IV-B. Review status: criteria provided, single submitter. Criteria: ACMG Guidelines, 2015. Collection method: clinical testing. Allele origin: germline. Affected: yes.
Comment: Absent from controls (or at extremely low frequency if recessive) in Genome Aggregation Database.;Well-established in vitro or in vivo functional studies supportive of a damaging effect on the gene or gene product.;For recessive disorders, detected in trans with a pathogenic variant.;Patient's phenotype or family history is highly specific for a disease with a single genetic etiology.

Counsyl
Classification: Likely pathogenic for Mucopolysaccharidosis, MPS-IV-B. Last evaluated: 2017-09-28. Review status: no assertion criteria provided. Collection method: clinical testing. Allele origin: unknown. Not counted in ClinVar's aggregate classification.

GeneReviews
No classification provided. Condition: Infantile GM1 gangliosidosis. Review status: no classification provided. Collection method: literature only. Allele origin: germline. Not counted in ClinVar's aggregate classification.
Comment: Most common pathogenic variant in persons of Korean ancestry with late-infantile GM1 gangliosidosis; also documented in persons of Chinese and Turkish ancestry with infantile GM1 gangliosidosis

Literature cited by the submitters: PubMed 20175788 (cited by 4 submitters); PubMed 29439846 (cited by 3 submitters); PubMed 21520340 (cited by 3 submitters); PubMed 33176815 (cited by Natera, Inc.); PubMed 35598274 (cited by Natera, Inc.); PubMed 23337983 (cited by Natera, Inc. and Counsyl); PubMed 23151865 (cited by Illumina Laboratory Services, Illumina and Counsyl).